The following is an entry in ClinVar:

NM_001382567.1(STIM1):c.563A>G (p.Gln188Arg)

Gene: STIM1 (stromal interaction molecule 1; plus strand). Cytogenetic location: 11p15.4.
Variant type: single nucleotide variant.
Coding change: c.563A>G on transcript NM_001382567.1 (MANE Select); coding-DNA position 563, A replaced by G.
Protein change: p.Gln188Arg; replaces glutamine 188 with arginine.
Molecular consequence: missense variant. On other transcripts: non-coding transcript variant (3), intron variant (1).
Genome position (GRCh38, 1-based): chr11:4,059,346, A>G. VCF-style: chr11-4059346-A-G. GRCh37 (hg19) VCF-style: chr11-4080576-A-G.
Other names: c.563A>G, p.Gln188Arg (NM_001277961.3, NM_001277962.2, NM_001382568.1 and 2 more transcripts); c.341A>G, p.Gln114Arg (NM_001382566.1, NM_001382573.1, NM_001382574.1 and 5 more transcripts); c.428A>G, p.Gln143Arg (NM_001382569.1); c.83A>G, p.Gln28Arg (NM_001382571.1); c.74A>G, p.Gln25Arg (NM_001382580.1, NM_001382581.1); c.386-10680A>G (NM_001382570.1); short protein forms Q114R, Q143R, Q188R, Q25R, Q28R.
Identifiers: ClinVar variation 1703798 (VCV001703798.2), dbSNP rs2498275012, ClinGen allele CA379485823.

ClinVar aggregate classification (germline): Likely pathogenic (1 of 4 stars; one submission).

Conditions:
Stormorken syndrome (STRMK). Also called: THROMBOCYTOPATHY, ASPLENIA, AND MIOSIS. Identifiers: Orphanet 3204, MedGen C1861451, MONDO:0008497, OMIM 185070.

Submission:

ISTH-SSC Genomics in Thrombosis and Hemostasis, KU Leuven, Center for Molecular and Vascular Biology
Classification: Likely pathogenic for Stormorken syndrome. Review status: criteria provided, single submitter. Criteria: ACMG Guidelines, 2015. Collection method: clinical testing. Allele origin: germline. Affected: yes. Observed: 1 heterozygote.
Comment: Submitted to GoldVariant by Jose María Bastida and José Rivera; Grupo Español de Alteraciones Plaquetarias Congénitas (GEAPC)